The following is an entry in ClinVar:

NM_022765.4(MICAL1):c.2162G>C (p.Cys721Ser)

Gene: MICAL1 (microtubule associated monooxygenase, calponin and LIM domain containing 1; minus strand). Cytogenetic location: 6q21.
Variant type: single nucleotide variant.
Coding change: c.2162G>C on transcript NM_022765.4 (MANE Select); coding-DNA position 2162, G replaced by C.
Protein change: p.Cys721Ser; replaces cysteine 721 with serine.
Molecular consequence: missense variant.
Genome position (GRCh38, 1-based): chr6:109,447,138, C>G on the plus strand (G>C on the coding strand, the complement: MICAL1 is on the minus strand). VCF-style: chr6-109447138-C-G. GRCh37 (hg19) VCF-style: chr6-109768341-C-G.
Other names: c.1904G>C, p.Cys635Ser (NM_001159291.2); c.2219G>C, p.Cys740Ser (NM_001286613.2); short protein forms C635S, C721S, C740S.
Identifiers: ClinVar variation 2711848 (VCV002711848.3), dbSNP rs758666942, ClinGen allele CA3953041.

ClinVar aggregate classification (germline): Uncertain significance (1 of 4 stars; one submission).

Allele frequency attached by ClinVar (database versions not stated): TOPMed below 0.00001; gnomAD 0.00001; ExAC 0.00005.
gnomAD v4.1: 48 of 1,614,084 alleles (0.003%); highest among the groups gnomAD compares: Non-Finnish European, 0.0036%; no homozygotes.

Submission:

Labcorp Genetics (formerly Invitae), Labcorp
Classification: Uncertain significance. Last evaluated: 2025-07-30. Review status: criteria provided, single submitter. Criteria: Invitae Variant Classification Sherloc (09022015). Collection method: clinical testing. Allele origin: germline.
Comment: This sequence change replaces cysteine, which is neutral and slightly polar, with serine, which is neutral and polar, at codon 740 of the MICAL1 protein (p.Cys740Ser). This variant is present in population databases (rs758666942, gnomAD 0.006%). This variant has not been reported in the literature in individuals affected with MICAL1-related conditions. ClinVar contains an entry for this variant (Variation ID: 2711848). An algorithm developed to predict the effect of missense changes on protein structure and function (PolyPhen-2) suggests that this variant is likely to be disruptive. In summary, the available evidence is currently insufficient to determine the role of this variant in disease. Therefore, it has been classified as a Variant of Uncertain Significance.